The following is an entry in ClinVar:

NM_005787.6(ALG3):c.470T>C (p.Met157Thr)

Gene: ALG3 (ALG3 alpha-1,3- mannosyltransferase; minus strand). Cytogenetic location: 3q27.1.
Variant type: single nucleotide variant.
Coding change: c.470T>C on transcript NM_005787.6 (MANE Select); coding-DNA position 470, T replaced by C.
Protein change: p.Met157Thr; replaces methionine 157 with threonine.
Molecular consequence: missense variant. On other transcripts: non-coding transcript variant (2).
Genome position (GRCh38, 1-based): chr3:184,245,333, A>G on the plus strand (T>C on the coding strand, the complement: ALG3 is on the minus strand). VCF-style: chr3-184245333-A-G. GRCh37 (hg19) VCF-style: chr3-183963121-A-G.
Other names: c.326T>C, p.Met109Thr (NM_001006941.2); short protein forms M109T, M157T.
Identifiers: ClinVar variation 4886898 (VCV004886898.1).
Genomic context (GRCh38, chr3:184,245,333, plus strand): 5'-ACTGGGTCATTGAAGAGCCGCAGCACAAAGATGGAGTGGACACGGTAAGAGGCGCAGCAC[A>G]TGAAGAAAAAGACGAAGGGAGGTACCTAAAGGGAAAACACAGTAAGGTACAAGGTCAGCT-3'
Protein context (NP_005778.1, residues 147-167): CKVPPFVFFF[Met157Thr]CCASYRVHSI

ClinVar aggregate classification (germline): Pathogenic (1 of 4 stars; one submission).

Conditions:
ALG3-congenital disorder of glycosylation. Also called: CDG Id; CARBOHYDRATE-DEFICIENT GLYCOPROTEIN SYNDROME, TYPE IV; CDGS, TYPE IV; CONGENITAL DISORDER OF GLYCOSYLATION, TYPE Id; ALG3-CDG. Identifiers: Orphanet 79321, MedGen C1832736, MONDO:0010998, OMIM 601110.

Submission:

Genetics Laboratory, Department of Biology, Semnan University
Classification: Pathogenic for ALG3-congenital disorder of glycosylation. Last evaluated: 2018-08-13. Review status: criteria provided, single submitter. Criteria: ACMG Guidelines, 2015. Collection method: research. Allele origin: germline. Inheritance: Autosomal recessive inheritance. Affected: yes. Observed: 1 variant allele, 1 homozygote.
Comment: The identified variant leads to the substitution of Methionine 109 with Threonine (M109T) in the ALG3 protein. Hence, this substitution could alter the amino acid sequence and could leads to a decreased function of mutated protein.

Literature cited by the submitters: DOI 10.1002/humu.20026.